The following is an entry in ClinVar:

NM_004456.5(EZH2):c.2079T>A (p.Asn693Lys)

Gene: EZH2 (enhancer of zeste 2 polycomb repressive complex 2 subunit; minus strand). Cytogenetic location: 7q36.1.
Variant type: single nucleotide variant.
Coding change: c.2079T>A on transcript NM_004456.5 (MANE Select); coding-DNA position 2079, T replaced by A.
Protein change: p.Asn693Lys; replaces asparagine 693 with lysine.
Molecular consequence: missense variant.
Genome position (GRCh38, 1-based): chr7:148,809,341, A>T on the plus strand (T>A on the coding strand, the complement: EZH2 is on the minus strand). VCF-style: chr7-148809341-A-T. GRCh37 (hg19) VCF-style: chr7-148506433-A-T.
Other names: c.2064T>A, p.Asn688Lys (NM_001203247.2); c.2037T>A, p.Asn679Lys (NM_001203248.2); c.1911T>A, p.Asn637Lys (NM_001203249.2); c.1947T>A, p.Asn649Lys (NM_152998.3); short protein forms N688K, N693K, N649K, N637K, N679K.
Identifiers: ClinVar variation 1371989 (VCV001371989.8), dbSNP rs2129467665, ClinGen allele CA369712219.

ClinVar aggregate classification (germline): Uncertain significance (1 of 4 stars; one submission).

Conditions:
Weaver syndrome (WVS). Also called: Weaver Smith syndrome; Overgrowth syndrome with accelerated skeletal maturation, unusual facies, and camptodactyly. Identifiers: Orphanet 3447, MedGen C0265210, MONDO:0010193, OMIM 277590.

Submission:

Labcorp Genetics (formerly Invitae), Labcorp
Classification: Uncertain significance for Weaver syndrome. Last evaluated: 2021-04-01. Review status: criteria provided, single submitter. Criteria: Invitae Variant Classification Sherloc (09022015). Collection method: clinical testing. Allele origin: germline.
Comment: This variant is not present in population databases (ExAC no frequency). This sequence change replaces asparagine with lysine at codon 693 of the EZH2 protein (p.Asn693Lys). The asparagine residue is highly conserved and there is a moderate physicochemical difference between asparagine and lysine. This variant has not been reported in the literature in individuals with EZH2-related conditions. In summary, the available evidence is currently insufficient to determine the role of this variant in disease. Therefore, it has been classified as a Variant of Uncertain Significance. Advanced modeling of protein sequence and biophysical properties (such as structural, functional, and spatial information, amino acid conservation, physicochemical variation, residue mobility, and thermodynamic stability) performed at Invitae indicates that this missense variant is expected to disrupt EZH2 protein function.